The following is an entry in ClinVar:

ClinVar aggregate classification (germline): Likely benign (1 of 4 stars; one submission).

Submission:

GeneDx
Classification: Likely benign. Last evaluated: 2017-05-18. Review status: criteria provided, single submitter. Criteria: GeneDx Variant Classification (06012015). Collection method: clinical testing. Allele origin: germline. Affected: yes.
Comment: This variant is considered likely benign or benign based on one or more of the following criteria: it is a conservative change, it occurs at a poorly conserved position in the protein, it is predicted to be benign by multiple in silico algorithms, and/or has population frequency not consistent with disease.

NM_000421.5(KRT10):c.1428AAGCTCCGGCGGCGG[4] (p.477SSGGG[4])

Gene: KRT10 (keratin 10; minus strand). Cytogenetic location: 17q21.2.
Variant type: Microsatellite.
Coding change: c.1428AAGCTCCGGCGGCGG[4] on transcript NM_000421.5 (MANE Select); four copies in a row of the 15-base unit AAGCTCCGGCGGCGG starting at c.1428; the reference has two copies in a row; two copies, 30 bases duplicated.
Protein change: p.477SSGGG[4].
Molecular consequence: inframe insertion.
Genome position (GRCh38, 1-based): chr17:40,819,078-40,819,107, CCGCCGCCGGAGCTTCCGCCGCCGGAGCTT duplicated on the plus strand (AAGCTCCGGCGGCGGAAGCTCCGGCGGCGG on the coding strand, the reverse complement: KRT10 is on the minus strand); duplicating any 30 consecutive bases within chr17:40,819,078-40,819,116 gives the same sequence; the position shown is the placement nearest the transcript's 3' end. VCF-style (leftmost placement, unchanged base first): chr17-40819077-G-GCCGCCGCCGGAGCTTCCGCCGCCGGAGCTT. GRCh37 (hg19) VCF-style: chr17-38975329-G-GCCGCCGCCGGAGCTTCCGCCGCCGGAGCTT.
Other names: c.1428AAGCTCCGGCGGCGG[4], p.477SSGGG[4] (NM_001379366.1).
Identifiers: ClinVar variation 509767 (VCV000509767.1), dbSNP rs753095095, ClinGen allele CA658798830.